The following continues an entry in ClinVar:

NM_000257.4(MYH7):c.3134G>T (p.Arg1045Leu)

Gene: MYH7. ClinVar aggregate classification (germline): Likely pathogenic. Likely pathogenic (1).

Submissions 6 to 9 of 9:

All of Us Research Program, National Institutes of Health
Classification: Likely pathogenic for Hypertrophic cardiomyopathy. Last evaluated: 2024-09-27. Review status: criteria provided, single submitter. Criteria: ACMG Guidelines, 2015. Collection method: clinical testing. Allele origin: germline. Inheritance: Autosomal dominant inheritance. Observed: 2 variant alleles, 2 heterozygotes. Not counted in ClinVar's aggregate classification.
Comment: This missense variant replaces arginine with leucine at codon 1045 in the neck and hinge domain of the MYH7 protein. Computational prediction tools indicate that this variant has a deleterious impact on protein structure and function. To our knowledge, functional studies have not been reported for this variant. This variant has been reported in over 10 individuals affected with hypertrophic cardiomyopathy (PMID: 27000522, 27532257, 29764897, 33495596, 33495597; ClinVar SCV001976477.1). Several of these individuals also carried variants in other genes associated with hypertrophic cardiomyopathy (ClinVar SCV001976477.1). It has been shown that this variant segregates with disease in 6 affected individuals across 3 families (ClinVar SCV001976477.1). This variant has also been reported in one individual affected with dilated cardiomyopathy (PMID: 35732239). This variant has been identified in 4/251460 chromosomes in the general population by the Genome Aggregation Database (gnomAD). A different variant affecting the same codon, p.Arg1045Cys, is considered to be disease-causing (ClinVar variation ID: 177753), suggesting that arginine at this position is important for MYH7 protein function. Based on the available evidence, this variant is classified as Likely Pathogenic.

This study involves interpretation of variants in research participants for the purpose of population health screening. Participant phenotype was not available at the time of variant classification. Additional details can be found in publication PMID: 35346344, PMCID: PMC8962531

Fulgent Genetics
Classification: Likely pathogenic for MYH7-related skeletal myopathy; Myosin storage myopathy; Hypertrophic cardiomyopathy 1; Myopathy, myosin storage, autosomal recessive; Congenital myopathy 4A, autosomal dominant; Dilated cardiomyopathy 1S. Last evaluated: 2021-09-23. Review status: criteria provided, single submitter. Criteria: ACMG Guidelines, 2015. Collection method: clinical testing. Allele origin: unknown. Not counted in ClinVar's aggregate classification.

Laboratory for Molecular Medicine, Mass General Brigham Personalized Medicine
Classification: Likely pathogenic for Hypertrophic cardiomyopathy. Last evaluated: 2019-12-18. Review status: criteria provided, single submitter. Criteria: LMM Criteria. Collection method: clinical testing. Allele origin: germline. Inheritance: Autosomal dominant inheritance. Observed: 4 variant alleles. Not counted in ClinVar's aggregate classification.
Comment: The p.Arg1045Leu variant in MYH7 has been identified in at least 11 individuals with hypertrophic cardiomyopathy (HCM) and segregated with disease in 4 affected relatives from 3 families (Cann 2017, Walsh 2017, Invitae pers. comm., GeneDx pers. comm., LMM data). This variant has also reported by other clinical laboratories in ClinVar (Variation ID#42948) and has been identified in 0.004% (4/113744) of European chromosomes by gnomAD. Computational prediction tools and conservation analyses suggest that this variant may impact the protein, though this information is not predictive enough to determine pathogenicity. Another variant involving this codon (p.Arg1045Cys) has been identified in individuals with HCM and is classified as likely pathogenic by this laboratory. In summary, although additional studies are required to fully establish its clinical significance, this variant meets criteria to be classified as likely pathogenic for autosomal dominant HCM. ACMG/AMP Criteria applied: PM2, PP1, PP3, PS4_Moderate, PM5_Supporting.

Human Genome Sequencing Center Clinical Lab, Baylor College of Medicine
Classification: Likely pathogenic for Familial hypertrophic cardiomyopathy 1. Last evaluated: 2018-10-12. Review status: criteria provided, single submitter. Criteria: ACMG Guidelines, 2015. Collection method: clinical testing. Allele origin: germline. Not counted in ClinVar's aggregate classification.
Comment: This c.3134G>T (p.Arg1045Leu) variant in the MYH7 gene has been reported in at least three unrelated patients with hypertrophic cardiomyopathy (PMID 25611685, 26914223, 27247418) and is extremely rare in general population databases. A second variant in the same codon, p. Arg1045His was classified likely pathogenic by our laboratory. A third variant at this codon, p.Arg1045Cys was classified as likely pathogenic by expert panel in the Clinvar database, suggesting this arginine residue is critical for MYH7 protein function. Multiple lines of prediction algorithms support the deleterious effect of the c.3134G>T (p.Arg1045Leu) variant. Therefore, this c.3134G>T (p.Arg1045Leu) variant in the MYH7 gene is classified as likely pathogenic.

Literature cited by the submitters: PubMed 27532257 (cited by 5 submitters); PubMed 18533079 (cited by Labcorp Genetics (formerly Invitae), Labcorp and Laboratory for Molecular Medicine, Mass General Brigham Personalized Medicine); PubMed 20215591 (cited by Labcorp Genetics (formerly Invitae), Labcorp and Laboratory for Molecular Medicine, Mass General Brigham Personalized Medicine); PubMed 24793961 (cited by Labcorp Genetics (formerly Invitae), Labcorp); PubMed 26914223 (cited by Labcorp Genetics (formerly Invitae), Labcorp); PubMed 27247418 (cited by Labcorp Genetics (formerly Invitae), Labcorp); PubMed 25611685 (cited by Ambry Genetics); PubMed 27000522 (cited by 4 submitters); PubMed 29764897 (cited by 3 submitters); PubMed 34503678 (cited by Ambry Genetics); PubMed 34542152 (cited by Ambry Genetics); PubMed 33495596 (cited by Color Diagnostics, LLC DBA Color Health and All of Us Research Program, National Institutes of Health); PubMed 33495597 (cited by Color Diagnostics, LLC DBA Color Health and All of Us Research Program, National Institutes of Health); PubMed 35732239 (cited by Color Diagnostics, LLC DBA Color Health and All of Us Research Program, National Institutes of Health); PubMed 19659763 (cited by Laboratory for Molecular Medicine, Mass General Brigham Personalized Medicine).